The following is an entry in ClinVar:

ClinVar aggregate classification (germline): Uncertain significance (1 of 4 stars; one submission).

Conditions:
Hereditary cancer-predisposing syndrome. Also called: Hereditary Cancer Syndrome; Hereditary neoplastic syndrome; Neoplastic Syndromes, Hereditary; Tumor predisposition. Identifiers: Orphanet 140162, MedGen C0027672, MeSH D009386, MONDO:0015356.

Submission:

Ambry Genetics
Classification: Uncertain significance for Hereditary cancer-predisposing syndrome. Last evaluated: 2025-08-07. Review status: criteria provided, single submitter. Criteria: Ambry Variant Classification Scheme 2023. Collection method: clinical testing. Allele origin: germline.
Comment: The p.V66A variant (also known as c.197T>C), located in coding exon 1 of the ALK gene, results from a T to C substitution at nucleotide position 197. The valine at codon 66 is replaced by alanine, an amino acid with similar properties. This amino acid position is not well conserved in available vertebrate species. In addition, this alteration is predicted to be tolerated by in silico analysis. Based on the available evidence, the clinical significance of this variant remains unclear.

NM_004304.5(ALK):c.197T>C (p.Val66Ala)

Gene: ALK (ALK receptor tyrosine kinase; minus strand). Cytogenetic location: 2p23.1.
Variant type: single nucleotide variant.
Coding change: c.197T>C on transcript NM_004304.5 (MANE Select); coding-DNA position 197, T replaced by C.
Protein change: p.Val66Ala; replaces valine 66 with alanine.
Molecular consequence: missense variant.
Genome position (GRCh38, 1-based): chr2:29,920,463, A>G on the plus strand (T>C on the coding strand, the complement: ALK is on the minus strand). VCF-style: chr2-29920463-A-G. GRCh37 (hg19) VCF-style: chr2-30143329-A-G.
Other names: short protein forms V66A.
Identifiers: ClinVar variation 4272773 (VCV004272773.1).
Genomic context (GRCh38, chr2:29,920,463, plus strand): 5'-TCGGGCCTGCCAGCCTTCAGCTCCGAGGAGGATGGTGGCAGCAGTAGGTCCCGGGCGTAG[A>G]CACGGAAGAGCGAGGGCACCACGAAGTCAACTGCCAGACTCTTCCTCTGCAGGCGCGAGT-3'
Protein context (NP_004295.2, residues 56-76): VDFVVPSLFR[Val66Ala]YARDLLLPPS